The following is an entry in ClinVar:

ClinVar aggregate classification (germline): Uncertain significance (1 of 4 stars; one submission).

gnomAD v4.1: 30 of 152,346 alleles (0.02%); highest among the groups gnomAD compares: African/African-American, 0.053%; no homozygotes.

Submission:

GeneDx
Classification: Uncertain significance. Last evaluated: 2026-03-19. Review status: criteria provided, single submitter. Criteria: GeneDx Variant Classification Process June 2021. Collection method: clinical testing. Allele origin: germline.
Comment: Has not been previously published as pathogenic or benign to our knowledge; In silico analysis suggests this variant may impact gene splicing. In the absence of RNA/functional studies, the actual effect of this sequence change is unknown.

NM_001324418.2(ADAM22):c.324-935A>G

Gene: ADAM22 (ADAM metallopeptidase domain 22; plus strand). Cytogenetic location: 7q21.12.
Variant type: single nucleotide variant.
Coding change: c.324-935A>G on transcript NM_001324418.2 (MANE Select); 935 bases into the intron before coding-DNA position 324, A replaced by G.
Molecular consequence: intron variant.
Genome position (GRCh38, 1-based): chr7:88,074,691, A>G. VCF-style: chr7-88074691-A-G. GRCh37 (hg19) VCF-style: chr7-87704006-A-G.
Other names: c.375-935A>G (NM_001391975.1, NM_001391980.1, NM_001391982.1); c.324-935A>G (NM_001324420.2, NM_001391976.1, NM_021723.5 and 6 more transcripts); c.321-935A>G (NM_001324419.2, NM_001391979.1, NM_001391978.1 and 2 more transcripts).
Identifiers: ClinVar variation 5009086 (VCV005009086.1).